The following is an entry in ClinVar:

NM_001267550.2(TTN):c.46399dup (p.Arg15467fs)

Genes: TTN (titin; minus strand), TTN-AS1 (TTN antisense RNA 1; plus strand). Cytogenetic location: 2q31.2.
Variant type: Duplication.
Coding change: c.46399dup on transcript NM_001267550.2 (MANE Select); coding-DNA position 46399, one base duplicated (A; older notation c.46399dupA).
Protein change: p.Arg15467fs; shifts the reading frame from arginine 15467.
Molecular consequence: frameshift variant. On other transcripts: non-coding transcript variant (1).
Genome position (GRCh38, 1-based): chr2:178,620,018, T duplicated on the plus strand (A on the coding strand, the reverse complement: TTN is on the minus strand). VCF-style (leftmost placement, unchanged base first): chr2-178620017-C-CT. GRCh37 (hg19) VCF-style: chr2-179484744-C-CT.
Other names: c.41476dup, p.Arg13826fs (NM_001256850.1); c.19204dup, p.Arg6402fs (NM_003319.4); c.38695dup, p.Arg12899fs (NM_133378.4); c.19579dup, p.Arg6527fs (NM_133432.3); c.19780dup, p.Arg6594fs (NM_133437.4); c.46399dupA (NM_001267550.2); short protein forms R6527fs, R6594fs, R6402fs, R13826fs, R12899fs, R15467fs.
Identifiers: ClinVar variation 404769 (VCV000404769.12), dbSNP rs1060500443, ClinGen allele CA16610453.
Genomic context (GRCh38, chr2:178,620,017, plus strand): 5'-CATTAGAATTGTTTTTTCACTTAATATGTACCTTCCACAAAAAGTCTAGCACGAGACTTC[C>CT]TGTCTTCTACCCCGCAAGCATATTCACACTCATCATCCAGCCTGCAATCTTTTATAATGA-3'

ClinVar aggregate classification (germline): Conflicting classifications of pathogenicity. Review status: criteria provided, conflicting classifications (1 of 4 stars). 2 submissions from 2 submitters: Likely pathogenic (1); Uncertain significance (1). Last evaluated 2024-05-03.

Conditions:
Dilated cardiomyopathy 1G (CMD1G). Identifiers: Orphanet 154, MedGen C1858763, MONDO:0011400, OMIM 604145.
Autosomal recessive limb-girdle muscular dystrophy type 2J (LGMDR10). Also called: MUSCULAR DYSTROPHY, LIMB-GIRDLE, AUTOSOMAL RECESSIVE 10; Limb-girdle muscular dystrophy, type 2J. Identifiers: Orphanet 140922, MedGen C1837342, MONDO:0012127, OMIM 608807.

Submissions (2):

Labcorp Genetics (formerly Invitae), Labcorp
Classification: Likely pathogenic for Dilated cardiomyopathy 1G; Autosomal recessive limb-girdle muscular dystrophy type 2J. Last evaluated: 2024-05-03. Review status: criteria provided, single submitter. Criteria: Invitae Variant Classification Sherloc (09022015). Collection method: clinical testing. Allele origin: germline.
Comment: This sequence change creates a premature translational stop signal (p.Arg15467Lysfs*6) in the TTN gene. While this is not anticipated to result in nonsense mediated decay, it is expected to create a truncated TTN protein. This variant is not present in population databases (gnomAD no frequency). This variant has not been observed in the literature in individuals with autosomal recessive TTN-related conditions. This variant has been reported in individual(s) with autosomal dominant dilated cardiomyopathy (Invitae); however, the role of the variant in this condition is currently unclear. ClinVar contains an entry for this variant (Variation ID: 404769). This variant is located in the I band of TTN (PMID: 25589632). Truncating variants in this region have been reported in individuals affected with autosomal recessive centronuclear myopathy (PMID: 23975875, Invitae internal data). Truncating variants in this region have also been identified in individuals affected with autosomal dominant dilated cardiomyopathy and/or cardio-related conditions (PMID: 27869827, 32964742, Invitae internal data). In summary, the currently available evidence indicates that the variant is pathogenic, but additional data are needed to prove that conclusively. Therefore, this variant has been classified as Likely Pathogenic.

Stanford Center for Inherited Cardiovascular Disease, Stanford University
Classification: Uncertain significance. Last evaluated: 2017-07-24. Review status: criteria provided, single submitter. Criteria: ACMG Guidelines, 2015. Collection method: provider interpretation. Allele origin: germline.

Literature cited by the submitters: PubMed 25589632 (cited by Labcorp Genetics (formerly Invitae), Labcorp); PubMed 23975875 (cited by Labcorp Genetics (formerly Invitae), Labcorp); PubMed 27869827 (cited by Labcorp Genetics (formerly Invitae), Labcorp); PubMed 32964742 (cited by Labcorp Genetics (formerly Invitae), Labcorp).